The following is an entry in ClinVar:

ClinVar aggregate classification (germline): Uncertain significance. Review status: criteria provided, multiple submitters, no conflicts (2 of 4 stars). 5 submissions from 5 submitters: Uncertain significance (3). 2 of the submissions do not count toward it. Last evaluated 2025-04-03.

Conditions:
Autosomal recessive retinitis pigmentosa. Identifiers: MedGen C0339526.
Inborn genetic diseases. Identifiers: MedGen C0950123, MeSH D030342.
Retinal dystrophy. Also called: Inherited retinal dystrophy. Identifiers: Orphanet 71862, MedGen C0854723, MeSH D058499, MONDO:0019118, HP:0000556.

Allele frequency attached by ClinVar (database versions not stated): TOPMed 0.00009; gnomAD 0.00011; gnomAD exomes 0.00011 and 0.00018; ExAC 0.00013; ESP Exome Variant Server 0.00023.
gnomAD v4.1: 280 of 1,608,034 alleles (0.017%); highest among the groups gnomAD compares: Middle Eastern, 0.052%; no homozygotes.

Submissions (5):

Ambry Genetics
Classification: Uncertain significance for Inborn genetic diseases. Last evaluated: 2025-04-03. Review status: criteria provided, single submitter. Criteria: Ambry Variant Classification Scheme 2023. Collection method: clinical testing. Allele origin: germline.

Blueprint Genetics
Classification: Uncertain significance. Last evaluated: 2024-06-18. Review status: criteria provided, single submitter. Criteria: ACMG Guidelines, 2015. Collection method: clinical testing. Allele origin: germline.

Labcorp Genetics (formerly Invitae), Labcorp
Classification: Uncertain significance. Last evaluated: 2022-10-24. Review status: criteria provided, single submitter. Criteria: Invitae Variant Classification Sherloc (09022015). Collection method: clinical testing. Allele origin: germline.
Comment: This sequence change replaces glutamic acid, which is acidic and polar, with valine, which is neutral and non-polar, at codon 489 of the EYS protein (p.Glu489Val). This variant is present in population databases (rs140518088, gnomAD 0.02%). This variant has not been reported in the literature in individuals affected with EYS-related conditions. ClinVar contains an entry for this variant (Variation ID: 965093). Advanced modeling of protein sequence and biophysical properties (such as structural, functional, and spatial information, amino acid conservation, physicochemical variation, residue mobility, and thermodynamic stability) has been performed at Invitae for this missense variant, however the output from this modeling did not meet the statistical confidence thresholds required to predict the impact of this variant on EYS protein function. In summary, the available evidence is currently insufficient to determine the role of this variant in disease. Therefore, it has been classified as a Variant of Uncertain Significance.

Institute of Human Genetics, Univ. Regensburg, Univ. Regensburg
Classification: Uncertain significance for Retinal dystrophy. Last evaluated: 2023-01-01. Review status: no assertion criteria provided. Criteria: ACMG Guidelines, 2015. Collection method: clinical testing. Allele origin: germline. Affected: yes. Not counted in ClinVar's aggregate classification.

Natera, Inc.
Classification: Uncertain significance for Autosomal recessive retinitis pigmentosa. Last evaluated: 2020-11-11. Review status: no assertion criteria provided. Collection method: clinical testing. Allele origin: germline. Not counted in ClinVar's aggregate classification.

NM_001142800.2(EYS):c.1466A>T (p.Glu489Val)

Gene: EYS (EGF-like photoreceptor maintenance factor; minus strand). Cytogenetic location: 6q12.
Variant type: single nucleotide variant.
Coding change: c.1466A>T on transcript NM_001142800.2 (MANE Select); coding-DNA position 1466, A replaced by T.
Protein change: p.Glu489Val; replaces glutamic acid 489 with valine.
Molecular consequence: missense variant.
Genome position (GRCh38, 1-based): chr6:65,344,171, T>A on the plus strand (A>T on the coding strand, the complement: EYS is on the minus strand). VCF-style: chr6-65344171-T-A. GRCh37 (hg19) VCF-style: chr6-66054064-T-A.
Other names: c.1466A>T, p.Glu489Val (NM_001142801.2, NM_001292009.2, NM_198283.2); short protein forms E489V.
Identifiers: ClinVar variation 965093 (VCV000965093.8), dbSNP rs140518088, ClinGen allele CA3877726.
Genomic context (GRCh38, chr6:65,344,171, plus strand): 5'-TCAGTGCAGTTTGCAGCCAGAAAGAAATAGGCATCAATAACCCCTTGGCACTTTTCGCCT[T>A]CAGATCCTTTAAAAAAAAAGAGATAAAAAATTAAATAAACTCTTACAAACTTGAATTCAG-3'
Protein context (NP_001136272.1, residues 479-499): YVWQLGFAGS[Glu489Val]GEKCQGVIDA